The following is an entry in ClinVar:

ClinVar aggregate classification (germline): Uncertain significance (1 of 4 stars; one submission).

Allele frequency attached by ClinVar (database versions not stated): gnomAD exomes below 0.00001; ExAC 0.00001; gnomAD 0.00001; TOPMed 0.00002; ESP Exome Variant Server 0.00008.
gnomAD v4.1: 4 of 1,612,926 alleles (0.00025%); highest among the groups gnomAD compares: Admixed American, 0.0017%; no homozygotes.

Submission:

Laboratory for Molecular Medicine, Mass General Brigham Personalized Medicine
Classification: Uncertain significance. Last evaluated: 2018-09-06. Review status: criteria provided, single submitter. Criteria: LMM Criteria. Collection method: clinical testing. Allele origin: germline. Observed: 1 variant allele.
Comment: The p.Ile577Val variant in RDX has not been previously reported in individuals w ith hearing loss but has been identified in 1/15302 of African chromosomes by th e Genome Aggregation Database (gnomAD). Compu tational prediction tools and conservation analysis do not provide strong suppor t for or against an impact to the protein. In summary, the clinical significance of the p.Ile577Val variant is uncertain. ACMG/AMP Criteria applied: PM2

NM_002906.4(RDX):c.1729A>G (p.Ile577Val)

Gene: RDX (radixin; minus strand). Cytogenetic location: 11q22.3.
Variant type: single nucleotide variant.
Coding change: c.1729A>G on transcript NM_002906.4 (MANE Select); coding-DNA position 1729, A replaced by G.
Protein change: p.Ile577Val; replaces isoleucine 577 with valine.
Molecular consequence: missense variant.
Genome position (GRCh38, 1-based): chr11:110,231,892, T>C on the plus strand (A>G on the coding strand, the complement: RDX is on the minus strand). VCF-style: chr11-110231892-T-C. GRCh37 (hg19) VCF-style: chr11-110102617-T-C.
Other names: c.1729A>G, p.Ile577Val (NM_001260492.2, NM_001260493.2); c.1321A>G, p.Ile441Val (NM_001260494.2); c.688A>G, p.Ile230Val (NM_001260495.2); c.517A>G, p.Ile173Val (NM_001260496.2); short protein forms I441V, I230V, I577V, I173V.
Identifiers: ClinVar variation 667319 (VCV000667319.4), dbSNP rs370958814, ClinGen allele CA6269919.